The following is an entry in ClinVar:

NM_020207.7(ERCC6L2):c.524T>G (p.Ile175Ser)

Gene: ERCC6L2 (ERCC excision repair 6 like 2; plus strand). Cytogenetic location: 9q22.32.
Variant type: single nucleotide variant.
Coding change: c.524T>G on transcript NM_020207.7 (MANE Select); coding-DNA position 524, T replaced by G.
Protein change: p.Ile175Ser; replaces isoleucine 175 with serine.
Molecular consequence: missense variant. On other transcripts: non-coding transcript variant (1).
Genome position (GRCh38, 1-based): chr9:95,897,901, T>G. VCF-style: chr9-95897901-T-G. GRCh37 (hg19) VCF-style: chr9-98660183-T-G.
Other names: c.524T>G, p.Ile175Ser (NM_001010895.4, NM_001375291.1, NM_001375292.1 and 2 more transcripts); short protein forms I175S.
Identifiers: ClinVar variation 3693940 (VCV003693940.3).

ClinVar aggregate classification (germline): Uncertain significance. Review status: criteria provided, multiple submitters, no conflicts (2 of 4 stars). 2 submissions from 2 submitters: Uncertain significance (2). Last evaluated 2026-06-18.

Conditions:
Inborn genetic diseases. Identifiers: MedGen C0950123, MeSH D030342.

gnomAD v4.1: 4 of 1,612,502 alleles (0.00025%); highest among the groups gnomAD compares: Non-Finnish European, 0.00034%; no homozygotes.

Submissions (2):

Ambry Genetics
Classification: Uncertain significance for Inborn genetic diseases. Last evaluated: 2026-06-18. Review status: criteria provided, single submitter. Criteria: Ambry Variant Classification Scheme 2023. Collection method: clinical testing. Allele origin: germline.
Comment: The p.I175S variant (also known as c.524T>G), located in coding exon 3 of the ERCC6L2 gene, results from a T to G substitution at nucleotide position 524. The isoleucine at codon 175 is replaced by serine, an amino acid with dissimilar properties. This amino acid position is conserved. In addition, the in silico prediction for this alteration is inconclusive. Based on the available evidence, the clinical significance of this variant remains unclear.

Labcorp Genetics (formerly Invitae), Labcorp
Classification: Uncertain significance. Last evaluated: 2024-08-29. Review status: criteria provided, single submitter. Criteria: Invitae Variant Classification Sherloc (09022015). Collection method: clinical testing. Allele origin: germline.
Comment: This sequence change replaces isoleucine, which is neutral and non-polar, with serine, which is neutral and polar, at codon 186 of the ERCC6L2 protein (p.Ile186Ser). This variant is not present in population databases (gnomAD no frequency). This variant has not been reported in the literature in individuals affected with ERCC6L2-related conditions. Experimental studies and prediction algorithms are not available or were not evaluated, and the functional significance of this variant is currently unknown. In summary, the available evidence is currently insufficient to determine the role of this variant in disease. Therefore, it has been classified as a Variant of Uncertain Significance.